The following is an entry in ClinVar:

ClinVar aggregate classification (germline): Uncertain significance. Review status: criteria provided, multiple submitters, no conflicts (2 of 4 stars). 3 submissions from 3 submitters: Uncertain significance (3). Last evaluated 2025-11-02.

Conditions:
Inborn genetic diseases. Identifiers: MedGen C0950123, MeSH D030342.

gnomAD v4.1: 21 of 1,613,992 alleles (0.0013%); highest among the groups gnomAD compares: Middle Eastern, 0.016%; no homozygotes.

Submissions (3):

Ambry Genetics
Classification: Uncertain significance for Inborn genetic diseases. Last evaluated: 2025-11-02. Review status: criteria provided, single submitter. Criteria: Ambry Variant Classification Scheme 2023. Collection method: clinical testing. Allele origin: germline.

GeneDx
Classification: Uncertain significance. Last evaluated: 2025-07-03. Review status: criteria provided, single submitter. Criteria: GeneDx Variant Classification Process June 2021. Collection method: clinical testing. Allele origin: germline.
Comment: In silico analysis suggests that this missense variant does not alter protein structure/function; Has not been previously published as pathogenic or benign to our knowledge; This variant is associated with the following publications: (PMID: 28555414, 28637624)

Labcorp Genetics (formerly Invitae), Labcorp
Classification: Uncertain significance. Last evaluated: 2024-11-06. Review status: criteria provided, single submitter. Criteria: Invitae Variant Classification Sherloc (09022015). Collection method: clinical testing. Allele origin: germline.
Comment: This sequence change replaces proline, which is neutral and non-polar, with leucine, which is neutral and non-polar, at codon 253 of the ETV6 protein (p.Pro253Leu). This variant is present in population databases (rs200525003, gnomAD 0.01%). This variant has not been reported in the literature in individuals affected with ETV6-related conditions. Invitae Evidence Modeling of protein sequence and biophysical properties (such as structural, functional, and spatial information, amino acid conservation, physicochemical variation, residue mobility, and thermodynamic stability) indicates that this missense variant is not expected to disrupt ETV6 protein function with a negative predictive value of 80%. In summary, the available evidence is currently insufficient to determine the role of this variant in disease. Therefore, it has been classified as a Variant of Uncertain Significance.

NM_001987.5(ETV6):c.758C>T (p.Pro253Leu)

Gene: ETV6 (ETS variant transcription factor 6; plus strand). Cytogenetic location: 12p13.2.
Variant type: single nucleotide variant.
Coding change: c.758C>T on transcript NM_001987.5 (MANE Select); coding-DNA position 758, C replaced by T.
Protein change: p.Pro253Leu; replaces proline 253 with leucine.
Molecular consequence: missense variant.
Genome position (GRCh38, 1-based): chr12:11,869,718, C>T. VCF-style: chr12-11869718-C-T. GRCh37 (hg19) VCF-style: chr12-12022652-C-T.
Other names: c.755C>T, p.Pro252Leu (NM_001413913.1); c.731C>T, p.Pro244Leu (NM_001413914.1); c.494C>T, p.Pro165Leu (NM_001413915.1); c.758C>T, p.Pro253Leu (NM_001413916.1, NM_001413917.1); short protein forms P165L, P244L, P252L, P253L.
Identifiers: ClinVar variation 3390717 (VCV003390717.6).